The following is an entry in ClinVar:

NM_001082971.2(DDC):c.1339C>T (p.Arg447Cys)

Gene: DDC (dopa decarboxylase; minus strand). Cytogenetic location: 7p12.2.
Variant type: single nucleotide variant.
Coding change: c.1339C>T on transcript NM_001082971.2 (MANE Select); coding-DNA position 1339, C replaced by T.
Protein change: p.Arg447Cys; replaces arginine 447 with cysteine.
Molecular consequence: missense variant.
Genome position (GRCh38, 1-based): chr7:50,463,335, G>A on the plus strand (C>T on the coding strand, the complement: DDC is on the minus strand). VCF-style: chr7-50463335-G-A. GRCh37 (hg19) VCF-style: chr7-50531033-G-A.
Other names: c.1339C>T (NM_000790.3); c.1339C>T, p.Arg447Cys (NM_000790.4); c.1225C>T, p.Arg409Cys (NM_001242886.2); c.1195C>T, p.Arg399Cys (NM_001242887.2); c.1105C>T, p.Arg369Cys (NM_001242888.2); c.1060C>T, p.Arg354Cys (NM_001242889.2); short protein forms R354C, R369C, R399C, R409C, R447C.
Identifiers: ClinVar variation 1805503 (VCV001805503.13), dbSNP rs775312348, ClinGen allele CA4261990.

ClinVar aggregate classification (germline): Pathogenic/Likely pathogenic. Review status: criteria provided, multiple submitters, no conflicts (2 of 4 stars). 5 submissions from 5 submitters: Pathogenic (1); Likely pathogenic (3). 1 of the submissions does not count toward it. Last evaluated 2025-10-01.

Conditions:
Deficiency of aromatic-L-amino-acid decarboxylase. Also called: Aromatic L-Amino Acid Decarboxylase Deficiency; Aromatic amino acid decarboxylase deficiency; AADC DEFICIENCY; DDC DEFICIENCY; DOPA DECARBOXYLASE DEFICIENCY. Identifiers: Orphanet 35708, MedGen C1291564, MONDO:0012084, OMIM 608643.

Allele frequency attached by ClinVar (database versions not stated): TOPMed below 0.00001; ExAC 0.00001; gnomAD 0.00001.
gnomAD v4.1: 19 of 1,614,118 alleles (0.0012%); highest among the groups gnomAD compares: East Asian, 0.0022%; no homozygotes.

Submissions (5):

CeGaT Center for Human Genetics Tuebingen
Classification: Likely pathogenic. Last evaluated: 2025-10-01. Review status: criteria provided, single submitter. Criteria: CeGaT Center For Human Genetics Tuebingen Variant Classification Criteria Version 2. Collection method: clinical testing. Allele origin: germline. Affected: yes. Observed: 1 variant allele.
Comment: DDC: PM3:Strong, PM2, PM5, PM1:Supporting

Labcorp Genetics (formerly Invitae), Labcorp
Classification: Likely pathogenic for Deficiency of aromatic-L-amino-acid decarboxylase. Last evaluated: 2024-11-19. Review status: criteria provided, single submitter. Criteria: Invitae Variant Classification Sherloc (09022015). Collection method: clinical testing. Allele origin: germline.
Comment: This sequence change replaces arginine, which is basic and polar, with cysteine, which is neutral and slightly polar, at codon 447 of the DDC protein (p.Arg447Cys). This variant is present in population databases (rs775312348, gnomAD 0.006%). This missense change has been observed in individual(s) with aromatic L-amino acid decarboxylase deficiency (PMID: 32409695). In at least one individual the data is consistent with being in trans (on the opposite chromosome) from a pathogenic variant. ClinVar contains an entry for this variant (Variation ID: 1805503). Invitae Evidence Modeling of protein sequence and biophysical properties (such as structural, functional, and spatial information, amino acid conservation, physicochemical variation, residue mobility, and thermodynamic stability) indicates that this missense variant is expected to disrupt DDC protein function with a positive predictive value of 80%. This variant disrupts the p.Arg447 amino acid residue in DDC. Other variant(s) that disrupt this residue have been determined to be pathogenic (PMID: 17240182, 24865461, 27147232). This suggests that this residue is clinically significant, and that variants that disrupt this residue are likely to be disease-causing. In summary, the currently available evidence indicates that the variant is pathogenic, but additional data are needed to prove that conclusively. Therefore, this variant has been classified as Likely Pathogenic.

Women's Health and Genetics/Laboratory Corporation of America, LabCorp
Classification: Likely pathogenic for Deficiency of aromatic-L-amino-acid decarboxylase. Last evaluated: 2023-06-29. Review status: criteria provided, single submitter. Criteria: LabCorp Variant Classification Summary - May 2015. Collection method: clinical testing. Allele origin: germline.
Comment: Variant summary: DDC c.1339C>T (p.Arg447Cys) results in a non-conservative amino acid change in the encoded protein sequence. Five of five in-silico tools predict a damaging effect of the variant on protein function. The variant allele was found at a frequency of 8e-06 in 251398 control chromosomes (gnomAD). c.1339C>T has been reported in the literature in compound heterozygous individuals affected with Deficiency Of Aromatic-L-Amino-Acid Decarboxylase (e.g. Hyland_2020, Wen_2020). These data indicate that the variant may be associated with disease. To our knowledge, no experimental evidence demonstrating an impact on protein function has been reported. In the HGMD dataset, a different missense variant (CM077527, p.Arg447His) has been classified as disease causing, indicating Arg447 may be a clinically significant residue. The following publications have been ascertained in the context of this evaluation (PMID: 32111562, 32409695). One ClinVar submitter has assessed the variant since 2014 and classified the variant as pathogenic. Based on the evidence outlined above, the variant was classified as likely pathogenic.

Victorian Clinical Genetics Services, Murdoch Childrens Research Institute
Classification: Pathogenic for Deficiency of aromatic-L-amino-acid decarboxylase. Last evaluated: 2022-02-02. Review status: criteria provided, single submitter. Criteria: ACMG Guidelines, 2015. Collection method: clinical testing. Allele origin: germline. Inheritance: Autosomal recessive inheritance.
Comment: Based on the classification scheme VCGS_Germline_v1.3.4, this variant is classified as Pathogenic. Following criteria are met: 0102 - Loss of function is a known mechanism of disease in this gene and is associated with aromatic L-amino acid decarboxylase deficiency (AADC deficiency) (MIM#608643) (PMID: 33808712, PMID: 31104889, PMID: 24865461, PMID: 17240182). (I) 0106 - This gene is associated with autosomal recessive disease. (I) 0200 - Variant is predicted to result in a missense amino acid change from arginine to cysteine. (I) 0251 - This variant is heterozygous. (I) 0304 - Variant is present in gnomAD <0.01 for a recessive condition (v2: 2 heterozygotes, 0 homozygotes). (SP) 0309 - An alternative amino acid change at the same position has been observed in gnomAD (v2: 10 heterozygotes, 0 homozygotes). (I) 0501 - Missense variant consistently predicted to be damaging by multiple in silico tools or highly conserved with a major amino acid change. (SP) 0604 - Variant is not located in an established domain, motif, hotspot or informative constraint region. (I) 0703 - Another variant comparable to the one identified in this case has moderate previous evidence for pathogenicity. The p.Arg447His variant has been observed in two patients with AADC deficiency (MIM#608643) in the literature, once in a homozygous state, and functional studies have shown this variant has decreased enzyme activity (PMID: 27147232, PMID: 17240182). (SP) 0803 - This variant has limited previous evidence of pathogenicity in two unrelated individuals. Two unrelated patients with AADC deficiency (MIM#608643) have been reported in literature both in a compound heterozygous state (PMID: 32111562, PMID: 32409695). (SP) 0905 - No published segregation evidence has been identified for this variant. (I) 1005 - Clinically accredited laboratory assay specific to gene product shows abnormal protein function. (SP) 1102 - Strong phenotype match for this individual. (I) Legend: (SP) - Supporting pathogenic, (I) - Information, (SB) - Supporting benign

Department of Medical Genetics, Institute of Mother and Child, Institute of Mother and Child
Classification: Likely pathogenic for Deficiency of aromatic-L-amino-acid decarboxylase. Last evaluated: 2023-04-01. Review status: no assertion criteria provided. Collection method: clinical testing. Allele origin: germline. Affected: yes. Observed: 1 variant allele. Not counted in ClinVar's aggregate classification.
Comment: The c.1339C>T (p.Arg447Cys) variant was scored was scored as likely pathogenic using the American College of Medical Genetics and Genomics (ACMG)/Association for Molecular Pathology (AMP)/Association for Clinical Genomic Science (ACGS) recommendations as described previously by Himmelreich N et al, Mol.Genet.Metab. 2022. The variant was detected in a compound heterozygous state together with c.139C>G (p.Pro47Ala) variant in DDC gene in a patient with clinical diagnosis of AADC deficiency (PMID: 37348148).

Literature cited by the submitters: PubMed 32409695 (cited by 3 submitters); PubMed 17240182 (cited by Labcorp Genetics (formerly Invitae), Labcorp and Victorian Clinical Genetics Services, Murdoch Childrens Research Institute); PubMed 24865461 (cited by Labcorp Genetics (formerly Invitae), Labcorp and Victorian Clinical Genetics Services, Murdoch Childrens Research Institute); PubMed 27147232 (cited by Labcorp Genetics (formerly Invitae), Labcorp and Victorian Clinical Genetics Services, Murdoch Childrens Research Institute); PubMed 32111562 (cited by Women's Health and Genetics/Laboratory Corporation of America, LabCorp and Victorian Clinical Genetics Services, Murdoch Childrens Research Institute); PubMed 31104889 (cited by Victorian Clinical Genetics Services, Murdoch Childrens Research Institute); PubMed 33808712 (cited by Victorian Clinical Genetics Services, Murdoch Childrens Research Institute); PubMed 37348148 (cited by Department of Medical Genetics, Institute of Mother and Child, Institute of Mother and Child).